The following is an entry in ClinVar:

ClinVar aggregate classification (germline): Uncertain significance (1 of 4 stars; one submission).

Allele frequency attached by ClinVar (database versions not stated): TOPMed 0.00001; gnomAD exomes 0.00002.
gnomAD v4.1: 17 of 1,614,152 alleles (0.0011%); highest among the groups gnomAD compares: Non-Finnish European, 0.0014%; no homozygotes.

Submission:

Labcorp Genetics (formerly Invitae), Labcorp
Classification: Uncertain significance. Last evaluated: 2023-09-29. Review status: criteria provided, single submitter. Criteria: Invitae Variant Classification Sherloc (09022015). Collection method: clinical testing. Allele origin: germline.
Comment: In summary, the available evidence is currently insufficient to determine the role of this variant in disease. Therefore, it has been classified as a Variant of Uncertain Significance. Advanced modeling of protein sequence and biophysical properties (such as structural, functional, and spatial information, amino acid conservation, physicochemical variation, residue mobility, and thermodynamic stability) performed at Invitae indicates that this missense variant is not expected to disrupt TNFRSF11B protein function. This variant has not been reported in the literature in individuals affected with TNFRSF11B-related conditions. This variant is not present in population databases (gnomAD no frequency). This sequence change replaces serine, which is neutral and polar, with threonine, which is neutral and polar, at codon 322 of the TNFRSF11B protein (p.Ser322Thr).

NM_002546.4(TNFRSF11B):c.965G>C (p.Ser322Thr)

Gene: TNFRSF11B (TNF receptor superfamily member 11b; minus strand). Cytogenetic location: 8q24.12.
Variant type: single nucleotide variant.
Coding change: c.965G>C on transcript NM_002546.4 (MANE Select); coding-DNA position 965, G replaced by C.
Protein change: p.Ser322Thr; replaces serine 322 with threonine.
Molecular consequence: missense variant.
Genome position (GRCh38, 1-based): chr8:118,924,615, C>G on the plus strand (G>C on the coding strand, the complement: TNFRSF11B is on the minus strand). VCF-style: chr8-118924615-C-G. GRCh37 (hg19) VCF-style: chr8-119936854-C-G.
Other names: short protein forms S322T.
Identifiers: ClinVar variation 2795752 (VCV002795752.3), dbSNP rs1283492737, ClinGen allele CA371918749.